The following is an entry in ClinVar:

ClinVar aggregate classification (germline): Uncertain significance (1 of 4 stars; one submission).

gnomAD v4.1: 7 of 1,614,090 alleles (0.00043%); highest among the groups gnomAD compares: African/African-American, 0.0027%; no homozygotes.

Submission:

Women's Health and Genetics/Laboratory Corporation of America, LabCorp
Classification: Uncertain significance. Last evaluated: 2025-12-12. Review status: criteria provided, single submitter. Criteria: LabCorp Variant Classification Summary - May 2015. Collection method: clinical testing. Allele origin: germline.
Comment: Variant summary: COL7A1 c.267-3C>T alters a nucleotide located close to a canonical splice site and therefore could affect mRNA splicing, leading to a significantly altered protein sequence. Consensus agreement among computation tools predict no significant impact on normal splicing. However, these predictions have yet to be confirmed by functional studies. The variant was absent in 251422 control chromosomes. The available data on variant occurrences in the general population are insufficient to allow any conclusion about variant significance. To our knowledge, no occurrence of c.267-3C>T in individuals affected with COL7A1-related conditions and no experimental evidence demonstrating its impact on protein function have been reported. No submitters have cited clinical-significance assessments for this variant to ClinVar. Based on the evidence outlined above, the variant was classified as uncertain significance.

NM_000094.4(COL7A1):c.267-3C>T

Gene: COL7A1 (collagen type VII alpha 1 chain; minus strand). Cytogenetic location: 3p21.31.
Variant type: single nucleotide variant.
Coding change: c.267-3C>T on transcript NM_000094.4 (MANE Select); 3 bases into the intron before coding-DNA position 267, C replaced by T.
Molecular consequence: intron variant.
Genome position (GRCh38, 1-based): chr3:48,593,699, G>A on the plus strand (C>T on the coding strand, the complement: COL7A1 is on the minus strand). VCF-style: chr3-48593699-G-A. GRCh37 (hg19) VCF-style: chr3-48631132-G-A.
Identifiers: ClinVar variation 4688343 (VCV004688343.1).
Genomic context (GRCh38, chr3:48,593,699, plus strand): 5'-ACGGATGGCGCGGATCACATCACCCCCAGAGCCAAGTGCATCCAGGCCGAACTCTGTCCT[G>A]TTGGAGGGTAGGGGTGGCAACAGGCTAGGACTCAGGATCTCTTCTGGCCCTGGCCTTGAG-3'